The following is an entry in ClinVar:

ClinVar aggregate classification (germline): Likely benign. Review status: criteria provided, single submitter (1 of 4 stars). 2 submissions from 2 submitters: Likely benign (1). 1 of the submissions does not count toward it. Last evaluated 2024-05-10.

Conditions:
TACO1-related disorder. Also called: TACO1-related condition.

Allele frequency attached by ClinVar (database versions not stated): gnomAD 0.00001 and 0.00003; gnomAD exomes 0.00001 and 0.00007; TOPMed 0.00001; ExAC 0.00004; 1000 Genomes Project 30x 0.00016; 1000 Genomes Project 0.00020.
gnomAD v4.1: 19 of 1,587,130 alleles (0.0012%); highest among the groups gnomAD compares: East Asian, 0.041%; no homozygotes.

Submissions (2):

Labcorp Genetics (formerly Invitae), Labcorp
Classification: Likely benign. Last evaluated: 2024-05-10. Review status: criteria provided, single submitter. Criteria: Invitae Variant Classification Sherloc (09022015). Collection method: clinical testing. Allele origin: germline.

PreventionGenetics, part of Exact Sciences
Classification: Likely benign for TACO1-related condition. Last evaluated: 2020-11-23. Review status: no assertion criteria provided. Collection method: clinical testing. Allele origin: germline. Not counted in ClinVar's aggregate classification.
Comment: This variant is classified as likely benign based on ACMG/AMP sequence variant interpretation guidelines (Richards et al. 2015 PMID: 25741868, with internal and published modifications).

NM_016360.4(TACO1):c.132C>A (p.Ala44=)

Gene: TACO1 (translational activator of cytochrome c oxidase I; plus strand). Cytogenetic location: 17q23.3.
Variant type: single nucleotide variant.
Coding change: c.132C>A on transcript NM_016360.4 (MANE Select); coding-DNA position 132, C replaced by A.
Protein change: p.Ala44=; no amino-acid change (alanine 44 retained).
Molecular consequence: synonymous variant.
Genome position (GRCh38, 1-based): chr17:63,601,215, C>A. VCF-style: chr17-63601215-C-A. GRCh37 (hg19) VCF-style: chr17-61678574-C-A.
Other names: c.132C>A (NM_016360.3).
Identifiers: ClinVar variation 1602922 (VCV001602922.10), dbSNP rs529225088, ClinGen allele CA8702043.